The following is an entry in ClinVar:

ClinVar aggregate classification (germline): Benign. Review status: criteria provided, single submitter (1 of 4 stars). 2 submissions from 2 submitters: Benign (1). 1 of the submissions does not count toward it. Last evaluated 2025-11-15.

Conditions:
DLX3-related disorder. Also called: DLX3-related condition.

Allele frequency attached by ClinVar (database versions not stated): gnomAD 0.00004 and 0.00005; TOPMed 0.00014; ExAC 0.00034; gnomAD exomes 0.00045.

Submissions (2):

Labcorp Genetics (formerly Invitae), Labcorp
Classification: Benign. Last evaluated: 2025-11-15. Review status: criteria provided, single submitter. Criteria: Invitae Variant Classification Sherloc (09022015). Collection method: clinical testing. Allele origin: germline.

PreventionGenetics, part of Exact Sciences
Classification: Likely benign for DLX3-related condition. Last evaluated: 2020-03-30. Review status: no assertion criteria provided. Collection method: clinical testing. Allele origin: germline. Not counted in ClinVar's aggregate classification.
Comment: This variant is classified as likely benign based on ACMG/AMP sequence variant interpretation guidelines (Richards et al. 2015 PMID: 25741868, with internal and published modifications).

NM_005220.3(DLX3):c.268G>T (p.Ala90Ser)

Gene: DLX3 (distal-less homeobox 3; minus strand). Cytogenetic location: 17q21.33.
Variant type: single nucleotide variant.
Coding change: c.268G>T on transcript NM_005220.3 (MANE Select); coding-DNA position 268, G replaced by T.
Protein change: p.Ala90Ser; replaces alanine 90 with serine.
Molecular consequence: missense variant.
Genome position (GRCh38, 1-based): chr17:49,994,731, C>A on the plus strand (G>T on the coding strand, the complement: DLX3 is on the minus strand). VCF-style: chr17-49994731-C-A. GRCh37 (hg19) VCF-style: chr17-48072095-C-A.
Other names: short protein forms A90S.
Identifiers: ClinVar variation 712745 (VCV000712745.10), dbSNP rs764946982, ClinGen allele CA8641085.